The following is an entry in ClinVar:

ClinVar aggregate classification (germline): Uncertain significance. Review status: criteria provided, multiple submitters, no conflicts (2 of 4 stars). 3 submissions from 3 submitters: Uncertain significance (3). Last evaluated 2023-05-18.

Conditions:
Inborn genetic diseases. Identifiers: MedGen C0950123, MeSH D030342.
Hereditary spastic paraplegia 7 (SPG7). Also called: Spastic paraplegia 7; Hereditary spastic paraplegia Paraplegin type; SPASTIC PARAPLEGIA 7, AUTOSOMAL RECESSIVE, WITH OR WITHOUT CEREBELLAR ATAXIA; Autosomal recessive spastic paraplegia type 7; SPG7-related neurologic disorder. Identifiers: Orphanet 99013, MedGen C1846564, MONDO:0011803, OMIM 607259.

Allele frequency attached by ClinVar (database versions not stated): TOPMed below 0.00001; gnomAD 0.00001.
gnomAD v4.1: 6 of 1,609,764 alleles (0.00037%); highest among the groups gnomAD compares: Non-Finnish European, 0.00051%; no homozygotes.

Submissions (3):

Ambry Genetics
Classification: Uncertain significance for Inborn genetic diseases. Last evaluated: 2023-05-18. Review status: criteria provided, single submitter. Criteria: Ambry Variant Classification Scheme 2023. Collection method: clinical testing. Allele origin: germline.

Labcorp Genetics (formerly Invitae), Labcorp
Classification: Uncertain significance for Hereditary spastic paraplegia 7. Last evaluated: 2022-08-23. Review status: criteria provided, single submitter. Criteria: Invitae Variant Classification Sherloc (09022015). Collection method: clinical testing. Allele origin: germline.
Comment: This variant has not been reported in the literature in individuals affected with SPG7-related conditions. ClinVar contains an entry for this variant (Variation ID: 1312611). Advanced modeling of protein sequence and biophysical properties (such as structural, functional, and spatial information, amino acid conservation, physicochemical variation, residue mobility, and thermodynamic stability) performed at Invitae indicates that this missense variant is not expected to disrupt SPG7 protein function. In summary, the available evidence is currently insufficient to determine the role of this variant in disease. Therefore, it has been classified as a Variant of Uncertain Significance. This variant is present in population databases (rs776661222, gnomAD 0.003%). This sequence change replaces lysine, which is basic and polar, with asparagine, which is neutral and polar, at codon 716 of the SPG7 protein (p.Lys716Asn).

GeneDx
Classification: Uncertain significance. Last evaluated: 2020-04-09. Review status: criteria provided, single submitter. Criteria: GeneDx Variant Classification Process June 2021. Collection method: clinical testing. Allele origin: germline. Affected: yes.
Comment: Has not been previously published as pathogenic or benign to our knowledge; Not observed at a significant frequency in large population cohorts (Lek et al., 2016); In silico analysis supports that this missense variant does not alter protein structure/function

NM_003119.4(SPG7):c.2148G>C (p.Lys716Asn)

Gene: SPG7 (SPG7 matrix AAA peptidase subunit, paraplegin; plus strand). Cytogenetic location: 16q24.3.
Variant type: single nucleotide variant.
Coding change: c.2148G>C on transcript NM_003119.4 (MANE Select); coding-DNA position 2148, G replaced by C.
Protein change: p.Lys716Asn; replaces lysine 716 with asparagine.
Molecular consequence: missense variant.
Genome position (GRCh38, 1-based): chr16:89,554,530, G>C. VCF-style: chr16-89554530-G-C. GRCh37 (hg19) VCF-style: chr16-89620938-G-C.
Other names: c.2148G>C, p.Lys716Asn (NM_001363850.1); short protein forms K716N.
Identifiers: ClinVar variation 1312611 (VCV001312611.11), dbSNP rs776661222, ClinGen allele CA8244558.
Genomic context (GRCh38, chr16:89,554,530, plus strand): 5'-TTCCCTCCACTCACAGGAAGCAAGACTGCTGGTGGCCAAGGCCTACAGACACACCGAGAA[G>C]GTGCTGCAGGACAACCTGGACAAGTTGCAGGCGGTGAGGCCCTGGCCAGGCGTGGGGGCT-3'
Protein context (NP_003110.1, residues 706-726): LVAKAYRHTE[Lys716Asn]VLQDNLDKLQ